The following is an entry in ClinVar:

ClinVar aggregate classification (germline): Uncertain significance (1 of 4 stars; one submission).

Conditions:
Koolen-de Vries syndrome (KDVS). Identifiers: Orphanet 96169, MedGen C1864871, MONDO:0012496, OMIM 610443.

Allele frequency attached by ClinVar (database versions not stated): gnomAD exomes below 0.00001; TOPMed below 0.00001; gnomAD 0.00001.
gnomAD v4.1: 2 of 1,607,602 alleles (0.00012%); highest among the groups gnomAD compares: Non-Finnish European, 0.00017%; no homozygotes.

Submission:

Labcorp Genetics (formerly Invitae), Labcorp
Classification: Uncertain significance for Koolen-de Vries syndrome. Last evaluated: 2023-12-13. Review status: criteria provided, single submitter. Criteria: Invitae Variant Classification Sherloc (09022015). Collection method: clinical testing. Allele origin: germline.
Comment: This sequence change replaces serine, which is neutral and polar, with proline, which is neutral and non-polar, at codon 981 of the KANSL1 protein (p.Ser981Pro). This variant is not present in population databases (gnomAD no frequency). This variant has not been reported in the literature in individuals affected with KANSL1-related conditions. Advanced modeling of protein sequence and biophysical properties (such as structural, functional, and spatial information, amino acid conservation, physicochemical variation, residue mobility, and thermodynamic stability) performed at Invitae indicates that this missense variant is not expected to disrupt KANSL1 protein function with a negative predictive value of 80%. In summary, the available evidence is currently insufficient to determine the role of this variant in disease. Therefore, it has been classified as a Variant of Uncertain Significance.

NM_015443.4(KANSL1):c.2941T>C (p.Ser981Pro)

Gene: KANSL1 (KAT8 regulatory NSL complex subunit 1). Cytogenetic location: 17q21.31.
Variant type: single nucleotide variant.
Coding change: c.2941T>C on transcript NM_015443.4 (MANE Select); coding-DNA position 2941, T replaced by C.
Protein change: p.Ser981Pro; replaces serine 981 with proline.
Molecular consequence: missense variant. On other transcripts: intron variant (4).
Genome position (GRCh38, 1-based): chr17:46,032,196, A>G on the plus strand (T>C on the coding strand, the complement: KANSL1 is on the minus strand). VCF-style: chr17-46032196-A-G. GRCh37 (hg19) VCF-style: chr17-44109562-A-G.
Other names: c.2938T>C, p.Ser980Pro (NM_001193465.2, NM_001405856.1, NM_001405857.1 and 1 more transcripts); c.2941T>C, p.Ser981Pro (NM_001193466.2, NM_001379198.1, NM_001405854.1 and 1 more transcripts); c.2839T>C, p.Ser947Pro (NM_001405859.1, NM_001405860.1); c.1486T>C, p.Ser496Pro (NM_001405884.1); c.1483T>C, p.Ser495Pro (NM_001405885.1); c.2733-29T>C (NM_001405881.1); c.2838-29T>C (NM_001405872.1, NM_001405874.1, NM_001405873.1); c.2836T>C, p.Ser946Pro (NM_001405861.1); and 4 more; short protein forms S917P, S918P, S559P, S946P, S947P, S981P, S495P, S496P.
Identifiers: ClinVar variation 2702827 (VCV002702827.3), dbSNP rs1249553881, ClinGen allele CA399987035.